The following is an entry in ClinVar:

NM_000245.4(MET):c.3123T>C (p.Asp1041=)

Gene: MET (MET proto-oncogene, receptor tyrosine kinase; plus strand). Cytogenetic location: 7q31.2.
Variant type: single nucleotide variant.
Coding change: c.3123T>C on transcript NM_000245.4 (MANE Select); coding-DNA position 3123, T replaced by C.
Protein change: p.Asp1041=; no amino-acid change (aspartic acid 1041 retained).
Molecular consequence: synonymous variant.
Genome position (GRCh38, 1-based): chr7:116,774,975, T>C. VCF-style: chr7-116774975-T-C. GRCh37 (hg19) VCF-style: chr7-116415029-T-C.
Other names: c.3177T>C, p.Asp1059= (NM_001127500.3); c.1833T>C, p.Asp611= (NM_001324402.2).
Identifiers: ClinVar variation 3773016 (VCV003773016.1).

ClinVar aggregate classification (germline): Benign (1 of 4 stars; one submission).

Conditions:
Papillary renal cell carcinoma type 1 (RCCP1). Also called: Renal adenocarcinoma; Renal cell carcinoma 1; Renal cell carcinoma, somatic; RENAL CELL CARCINOMA, PAPILLARY, 1, SOMATIC. Identifiers: Orphanet 47044, MedGen C1336839, OMIM 605074, HP:0011797.

Submission:

Myriad Genetics, Inc.
Classification: Benign for Papillary renal cell carcinoma type 1. Last evaluated: 2024-11-13. Review status: criteria provided, single submitter. Criteria: Myriad Autosomal Dominant, Autosomal Recessive and X-Linked Classification Criteria (2023). Collection method: clinical testing. Allele origin: unknown.
Comment: This variant is considered benign. This variant is a silent/synonymous amino acid change and it is not expected to impact splicing.